The following is an entry in ClinVar:

ClinVar aggregate classification (germline): Uncertain significance (1 of 4 stars; one submission).

Submission:

Labcorp Genetics (formerly Invitae), Labcorp
Classification: Uncertain significance. Last evaluated: 2023-05-13. Review status: criteria provided, single submitter. Criteria: Invitae Variant Classification Sherloc (09022015). Collection method: clinical testing. Allele origin: germline.
Comment: In summary, the available evidence is currently insufficient to determine the role of this variant in disease. Therefore, it has been classified as a Variant of Uncertain Significance. Advanced modeling of protein sequence and biophysical properties (such as structural, functional, and spatial information, amino acid conservation, physicochemical variation, residue mobility, and thermodynamic stability) has been performed at Invitae for this missense variant, however the output from this modeling did not meet the statistical confidence thresholds required to predict the impact of this variant on DRP2 protein function. This variant has not been reported in the literature in individuals affected with DRP2-related conditions. This variant is not present in population databases (gnomAD no frequency). This sequence change replaces isoleucine, which is neutral and non-polar, with valine, which is neutral and non-polar, at codon 653 of the DRP2 protein (p.Ile653Val).

NM_001939.3(DRP2):c.1957A>G (p.Ile653Val)

Gene: DRP2 (dystrophin related protein 2; plus strand). Cytogenetic location: Xq22.1.
Variant type: single nucleotide variant.
Coding change: c.1957A>G on transcript NM_001939.3 (MANE Select); coding-DNA position 1957, A replaced by G.
Protein change: p.Ile653Val; replaces isoleucine 653 with valine.
Molecular consequence: missense variant.
Genome position (GRCh38, 1-based): chrX:101,252,696, A>G. VCF-style: chrX-101252696-A-G. GRCh37 (hg19) VCF-style: chrX-100507685-A-G.
Other names: c.1723A>G, p.Ile575Val (NM_001171184.2); short protein forms I575V, I653V.
Identifiers: ClinVar variation 2863873 (VCV002863873.3), dbSNP rs2520284603, ClinGen allele CA413933522.